The following is an entry in ClinVar:

NM_032816.5(CEP89):c.476T>C (p.Val159Ala)

Gene: CEP89 (centrosomal protein 89; minus strand). Cytogenetic location: 19q13.11.
Variant type: single nucleotide variant.
Coding change: c.476T>C on transcript NM_032816.5 (MANE Select); coding-DNA position 476, T replaced by C.
Protein change: p.Val159Ala; replaces valine 159 with alanine.
Molecular consequence: missense variant.
Genome position (GRCh38, 1-based): chr19:32,953,631, A>G on the plus strand (T>C on the coding strand, the complement: CEP89 is on the minus strand). VCF-style: chr19-32953631-A-G. GRCh37 (hg19) VCF-style: chr19-33444537-A-G.
Other names: short protein forms V159A.
Identifiers: ClinVar variation 4809031 (VCV004809031.1).

ClinVar aggregate classification (germline): Uncertain significance (1 of 4 stars; one submission).

gnomAD v4.1: 1 of 1,607,924 alleles (0.000062%); highest among the groups gnomAD compares: Non-Finnish European, 0.000085%; no homozygotes.

Submission:

Labcorp Genetics (formerly Invitae), Labcorp
Classification: Uncertain significance. Last evaluated: 2025-10-17. Review status: criteria provided, single submitter. Criteria: Invitae Variant Classification Sherloc (09022015). Collection method: clinical testing. Allele origin: germline.
Comment: This sequence change replaces valine, which is neutral and non-polar, with alanine, which is neutral and non-polar, at codon 159 of the CEP89 protein (p.Val159Ala). This variant is not present in population databases (gnomAD no frequency). This variant has not been reported in the literature in individuals affected with CEP89-related conditions. An algorithm developed to predict the effect of missense changes on protein structure and function outputs the following: PolyPhen-2: "Benign". The alanine amino acid residue is found in multiple mammalian species, which suggests that this missense change does not adversely affect protein function. In summary, the available evidence is currently insufficient to determine the role of this variant in disease. Therefore, it has been classified as a Variant of Uncertain Significance.